The following is an entry in ClinVar:

NM_017802.4(DNAAF5):c.1253A>T (p.Gln418Leu)

Gene: DNAAF5 (dynein axonemal assembly factor 5; plus strand). Cytogenetic location: 7p22.3.
Variant type: single nucleotide variant.
Coding change: c.1253A>T on transcript NM_017802.4 (MANE Select); coding-DNA position 1253, A replaced by T.
Protein change: p.Gln418Leu; replaces glutamine 418 with leucine.
Molecular consequence: missense variant. On other transcripts: non-coding transcript variant (1).
Genome position (GRCh38, 1-based): chr7:754,817, A>T. VCF-style: chr7-754817-A-T. GRCh37 (hg19) VCF-style: chr7-794454-A-T.
Other names: short protein forms Q418L.
Identifiers: ClinVar variation 1761219 (VCV001761219.3), dbSNP rs753199603, ClinGen allele CA4110649.

ClinVar aggregate classification (germline): Uncertain significance (1 of 4 stars; one submission).

Conditions:
Primary ciliary dyskinesia. Also called: Ciliary dyskinesia. Identifiers: Orphanet 244, MedGen C0008780, MONDO:0016575, HP:0012265.

Allele frequency attached by ClinVar (database versions not stated): gnomAD 0.00001; ExAC 0.00002; TOPMed 0.00003; gnomAD exomes 0.00007.
gnomAD v4.1: 98 of 1,602,104 alleles (0.0061%); highest among the groups gnomAD compares: Non-Finnish European, 0.0083%; no homozygotes.

Submission:

Ambry Genetics
Classification: Uncertain significance for Primary ciliary dyskinesia. Last evaluated: 2025-10-29. Review status: criteria provided, single submitter. Criteria: Ambry Variant Classification Scheme 2023. Collection method: clinical testing. Allele origin: germline.
Comment: The p.Q418L variant (also known as c.1253A>T), located in coding exon 5 of the DNAAF5 gene, results from an A to T substitution at nucleotide position 1253. The glutamine at codon 418 is replaced by leucine, an amino acid with dissimilar properties. This amino acid position is poorly conserved in available vertebrate species. In addition, this alteration is predicted to be tolerated by in silico analysis. Based on the available evidence, the clinical significance of this variant remains unclear.